The following is an entry in ClinVar:

NM_004204.5(PIGQ):c.618del (p.Arg206fs)

Gene: PIGQ (phosphatidylinositol glycan anchor biosynthesis class Q; plus strand). Cytogenetic location: 16p13.3.
Variant type: Deletion.
Coding change: c.618del on transcript NM_004204.5 (MANE Select); coding-DNA position 618, one base deleted (G; older notation c.618delG).
Protein change: p.Arg206fs; shifts the reading frame from arginine 206.
Molecular consequence: frameshift variant.
Genome position (GRCh38, 1-based): chr16:574,692, G deleted; the last of 2 consecutive G bases (chr16:574,691-574,692); deleting either gives the same sequence. VCF-style (leftmost placement, unchanged base first): chr16-574690-AG-A. GRCh37 (hg19) VCF-style: chr16-624690-AG-A.
Other names: c.618del, p.Arg206fs (NM_148920.4); c.618del (NM_004204.3); short protein forms R206fs.
Identifiers: ClinVar variation 644371 (VCV000644371.8), dbSNP rs1229740428, ClinGen allele CA620306712.

ClinVar aggregate classification (germline): Pathogenic (1 of 4 stars; one submission).

Conditions:
Epilepsy. Also called: Seizure disorder. Identifiers: MedGen C0014544, MeSH D004827, MONDO:0005027.

Submission:

Labcorp Genetics (formerly Invitae), Labcorp
Classification: Pathogenic for Epilepsy. Last evaluated: 2022-07-19. Review status: criteria provided, single submitter. Criteria: Invitae Variant Classification Sherloc (09022015). Collection method: clinical testing. Allele origin: germline.
Comment: This sequence change creates a premature translational stop signal (p.Arg206Serfs*54) in the PIGQ gene. It is expected to result in an absent or disrupted protein product. Loss-of-function variants in PIGQ are known to be pathogenic (PMID: 24463883, 25558065). For these reasons, this variant has been classified as Pathogenic. ClinVar contains an entry for this variant (Variation ID: 644371). This variant has not been reported in the literature in individuals affected with PIGQ-related conditions. This variant is present in population databases (no rsID available, gnomAD 0.01%).

Literature cited by the submitters: PubMed 24463883; PubMed 25558065.